The following is an entry in ClinVar:

ClinVar aggregate classification (germline): Pathogenic. Review status: criteria provided, multiple submitters, no conflicts (2 of 4 stars). 4 submissions from 4 submitters: Pathogenic (4). Last evaluated 2026-09-08.

Conditions:
Fabry disease. Also called: Ceramide trihexosidosis; GLA DEFICIENCY; HEREDITARY DYSTOPIC LIPIDOSIS; Angiokeratoma corporis diffusum; Fabry's disease; ALPHA-GALACTOSIDASE A DEFICIENCY. Identifiers: Orphanet 324, MedGen C0002986, MONDO:0010526, OMIM 301500, HP:0001071. Disease mechanism: Fabry disease is due to inactivating mutations in the X-linked GLA gene resulting in deficiency of the enzyme Alpha Galactosidase-A., loss of function.

Submissions (4):

Genomenon, Inc
Classification: Pathogenic for Fabry disease. Last evaluated: 2026-09-08. Review status: criteria provided, single submitter. Criteria: Genomenon Sequence Variant Interpretation Standards - Updated. Collection method: curation. Allele origin: germline. Affected: yes.
Comment: GLA p.Cys172Tyr (c.515G>A) is a missense variant that changes the amino acid at codon 172 from Cysteine to Tyrosine. This variant has been observed in at least one proband with clinical features consistent with Fabry disease (PMID:32719972;33915609;26880903;23841057;15091117;32583479;22049975;15713906;23980562;31996269;36640471;38618884). The variant was found to segregate with disease in at least one affected family (PMID:23980562). At least one functional study has demonstrated a substantial alteration in protein function relative to the wild-type (PMID:32023956;21598360;27657681). This variant is located in a mutational hotspot and/or important functional domain. It is absent or not present at a significant frequency in gnomAD. In silico models predict that this variant is possibly or probably damaging. In conclusion, we classify GLA p.Cys172Tyr (c.515G>A) as a pathogenic variant.

Women's Health and Genetics/Laboratory Corporation of America, LabCorp
Classification: Pathogenic for Fabry disease. Last evaluated: 2026-03-11. Review status: criteria provided, single submitter. Criteria: LabCorp Variant Classification Summary - May 2015. Collection method: clinical testing. Allele origin: germline.
Comment: Variant summary: GLA c.515G>A (p.Cys172Tyr) results in a non-conservative amino acid change in the encoded protein sequence. Algorithms developed to predict the effect of missense changes on protein structure and function all suggest that this variant is likely to be disruptive. The variant was absent in 183473 control chromosomes. c.515G>A has been observed segregating with disease in the hemizygous state in multiple related individuals affected with Fabry Disease (example, Rigoldi_2014). These data indicate that the variant is very likely to be associated with disease. At least one publication reports experimental evidence evaluating an impact on protein function. The most pronounced variant effect results in <10% of normal activity in vitro (example, Wu_2011). The following publications have been ascertained in the context of this evaluation (PMID: 21598360, 23980562). ClinVar contains an entry for this variant (Variation ID: 1323002). Based on the evidence outlined above, the variant was classified as pathogenic.

Fulgent Genetics
Classification: Pathogenic for Fabry disease. Last evaluated: 2021-08-26. Review status: criteria provided, single submitter. Criteria: ACMG Guidelines, 2015. Collection method: clinical testing. Allele origin: unknown.

Revvity Omics, Revvity
Classification: Pathogenic. Last evaluated: 2020-02-18. Review status: criteria provided, single submitter. Criteria: ACMG Guidelines, 2015. Collection method: clinical testing. Allele origin: germline.

Literature cited by the submitters: PubMed 32719972 (cited by Genomenon, Inc); PubMed 33915609 (cited by Genomenon, Inc); PubMed 26880903 (cited by Genomenon, Inc); PubMed 23841057 (cited by Genomenon, Inc); PubMed 15091117 (cited by Genomenon, Inc); PubMed 32583479 (cited by Genomenon, Inc); PubMed 22049975 (cited by Genomenon, Inc); PubMed 15713906 (cited by Genomenon, Inc); PubMed 23980562 (cited by Genomenon, Inc and Women's Health and Genetics/Laboratory Corporation of America, LabCorp); PubMed 31996269 (cited by Genomenon, Inc); PubMed 36640471 (cited by Genomenon, Inc); PubMed 38618884 (cited by Genomenon, Inc); PubMed 32023956 (cited by Genomenon, Inc); PubMed 21598360 (cited by Genomenon, Inc and Women's Health and Genetics/Laboratory Corporation of America, LabCorp); PubMed 27657681 (cited by Genomenon, Inc).

NM_000169.3(GLA):c.515G>A (p.Cys172Tyr)

Genes: GLA (galactosidase alpha; minus strand), RPL36A-HNRNPH2 (RPL36A-HNRNPH2 readthrough; plus strand). Cytogenetic location: Xq22.1.
Variant type: single nucleotide variant.
Coding change: c.515G>A on transcript NM_000169.3 (MANE Select); coding-DNA position 515, G replaced by A.
Protein change: p.Cys172Tyr; replaces cysteine 172 with tyrosine.
Molecular consequence: missense variant. On other transcripts: non-coding transcript variant (3), intron variant (2).
Genome position (GRCh38, 1-based): chrX:101,401,664, C>T on the plus strand (G>A on the coding strand, the complement: GLA is on the minus strand). VCF-style: chrX-101401664-C-T. GRCh37 (hg19) VCF-style: chrX-100656652-C-T.
Other names: c.638G>A, p.Cys213Tyr (NM_001406747.1, NM_001406749.1); c.515G>A, p.Cys172Tyr (NM_001406748.1); c.300+6207C>T (NM_001199973.2); c.177+9842C>T (NM_001199974.2); short protein forms C172Y, C213Y.
Identifiers: ClinVar variation 1323002 (VCV001323002.8), dbSNP rs869312318, ClinGen allele CA352479.
Genomic context (GRCh38, chrX:101,401,664, plus strand): 5'-TGGCTAAATCTCTGGAATGAAACATTACCATCTGCCAAATTTTCCAAACTGTCACAGTAA[C>T]AACCATCAAATTTTAGCAGATCTACTCCCCAGTCAGCAAAGGTCTGGGCATCAATGTCGT-3'
Protein context (NP_000160.1, residues 162-182): WGVDLLKFDG[Cys172Tyr]YCDSLENLAD